The following is an entry in ClinVar:

NM_000179.3(MSH6):c.4034_4042dup (p.Ala1347_Glu1348insValAspAla)

Gene: MSH6 (mutS homolog 6; plus strand). Cytogenetic location: 2p16.3.
Variant type: Duplication.
Coding change: c.4034_4042dup on transcript NM_000179.3 (MANE Select); coding-DNA positions 4034 to 4042, 9 bases duplicated (TAGATGCTG; older notation c.4034_4042dupTAGATGCTG).
Protein change: p.Ala1347_Glu1348insValAspAla.
Molecular consequence: inframe insertion. On other transcripts: 3 prime UTR variant (5), non-coding transcript variant (5), inframe indel (1).
Genome position (GRCh38, 1-based): chr2:47,806,811-47,806,819, TAGATGCTG duplicated; duplicating any 9 consecutive bases within chr2:47,806,808-47,806,819 gives the same sequence; the c. name uses the placement nearest the transcript's 3' end. VCF-style (leftmost placement, unchanged base first): chr2-47806807-A-ACTGTAGATG. GRCh37 (hg19) VCF-style: chr2-48033946-A-ACTGTAGATG.
Other names: c.3644_3652dup, p.Ala1217_Glu1218insValAspAla (NM_001281492.2); c.3128_3136dup, p.Ala1045_Glu1046insValAspAla (NM_001281493.2, NM_001281494.2, NM_001406811.1 and 6 more transcripts); c.4130_4138dup, p.Ala1379_Glu1380insValAspAla (NM_001406795.1); c.4034_4042dup, p.Ala1347_Glu1348insValAspAla (NM_001406796.1, NM_001406809.1); c.3737_3745dup, p.Ala1248_Glu1249insValAspAla (NM_001406797.1, NM_001406805.1, NM_001406818.1 and 8 more transcripts); c.3860_3868dup, p.Ala1289_Glu1290insValAspAla (NM_001406798.1); c.3509_3517dup, p.Ala1172_Glu1173insValAspAla (NM_001406799.1, NM_001406806.1, NM_001406807.1); c.*55_*63dup (NM_001406800.1); and 10 more.
Identifiers: ClinVar variation 3230577 (VCV003230577.3), dbSNP rs864622703, ClinGen allele CA2825001145.

ClinVar aggregate classification (germline): Uncertain significance. Review status: criteria provided, multiple submitters, no conflicts (2 of 4 stars). 2 submissions from 2 submitters: Uncertain significance (2). Last evaluated 2024-06-28.

Conditions:
Hereditary cancer-predisposing syndrome. Also called: Neoplastic Syndromes, Hereditary; Tumor predisposition; Hereditary neoplastic syndrome; Hereditary Cancer Syndrome. Identifiers: Orphanet 140162, MedGen C0027672, MeSH D009386, MONDO:0015356.
Hereditary nonpolyposis colorectal neoplasms. Identifiers: MedGen C0009405, MeSH D003123.

Submissions (2):

Labcorp Genetics (formerly Invitae), Labcorp
Classification: Uncertain significance for Hereditary nonpolyposis colorectal neoplasms. Last evaluated: 2024-06-28. Review status: criteria provided, single submitter. Criteria: Invitae Variant Classification Sherloc (09022015). Collection method: clinical testing. Allele origin: germline.
Comment: This variant, c.4034_4042dup, results in the insertion of 3 amino acid(s) of the MSH6 protein (p.Val1345_Ala1347dup), but otherwise preserves the integrity of the reading frame. This variant is not present in population databases (gnomAD no frequency). This variant has not been reported in the literature in individuals affected with MSH6-related conditions. In summary, the available evidence is currently insufficient to determine the role of this variant in disease. Therefore, it has been classified as a Variant of Uncertain Significance.

Ambry Genetics
Classification: Uncertain significance for Hereditary cancer-predisposing syndrome. Last evaluated: 2023-09-26. Review status: criteria provided, single submitter. Criteria: Ambry Variant Classification Scheme 2023. Collection method: clinical testing. Allele origin: germline.
Comment: The c.4034_4042dupTAGATGCTG variant (also known as p.V1345_A1347dup), located in coding exon 10 of the MSH6 gene, results from an in-frame duplication of TAGATGCTG at nucleotide positions 4034 to 4042. This results in the duplication of 3 extra residues (VDA) between codons 1345 and 1347. This amino acid region is not well conserved in available vertebrate species. In addition, this alteration is predicted to be neutral by in silico analysis (Choi Y et al. PLoS ONE. 2012; 7(10):e46688). Since supporting evidence is limited at this time, the clinical significance of this alteration remains unclear.